The following is an entry in ClinVar:

ClinVar aggregate classification (germline): Uncertain significance (1 of 4 stars; one submission).

Conditions:
Gastrointestinal stromal tumor. Also called: Gastrointestinal stromal tumor, somatic; Gastrointestinal stroma tumor. Identifiers: Orphanet 44890, MedGen C0238198, MeSH D046152, MONDO:0011719, OMIM 606764, HP:0100723.
Pheochromocytoma/paraganglioma syndrome 3. Also called: GLOMUS TUMORS, FAMILIAL, 3; Paragangliomas 3; SDHC-Related Hereditary Paraganglioma-Pheochromocytoma Syndrome (Paragangliomas 3); SDHC-Related Hereditary Paraganglioma-Pheochromocytoma Syndrome. Identifiers: Orphanet 29072, MedGen C1854336, MONDO:0011544, OMIM 605373.

Submission:

Labcorp Genetics (formerly Invitae), Labcorp
Classification: Uncertain significance for Pheochromocytoma/paraganglioma syndrome 3; Gastrointestinal stromal tumor. Last evaluated: 2023-10-30. Review status: criteria provided, single submitter. Criteria: Invitae Variant Classification Sherloc (09022015). Collection method: clinical testing. Allele origin: germline.
Comment: This sequence change replaces serine, which is neutral and polar, with proline, which is neutral and non-polar, at codon 162 of the SDHC protein (p.Ser162Pro). This variant is not present in population databases (gnomAD no frequency). This variant has not been reported in the literature in individuals affected with SDHC-related conditions. An algorithm developed to predict the effect of missense changes on protein structure and function (PolyPhen-2) suggests that this variant is likely to be disruptive. In summary, the available evidence is currently insufficient to determine the role of this variant in disease. Therefore, it has been classified as a Variant of Uncertain Significance.

NM_003001.5(SDHC):c.484T>C (p.Ser162Pro)

Gene: SDHC (succinate dehydrogenase complex subunit C; plus strand). Cytogenetic location: 1q23.3.
Variant type: single nucleotide variant.
Coding change: c.484T>C on transcript NM_003001.5 (MANE Select); coding-DNA position 484, T replaced by C.
Protein change: p.Ser162Pro; replaces serine 162 with proline.
Molecular consequence: missense variant. On other transcripts: non-coding transcript variant (1).
Genome position (GRCh38, 1-based): chr1:161,362,407, T>C. VCF-style: chr1-161362407-T-C. GRCh37 (hg19) VCF-style: chr1-161332197-T-C.
Other names: c.320T>C, p.Val107Ala (NM_001035511.3); c.382T>C, p.Ser128Pro (NM_001035512.3); c.325T>C, p.Ser109Pro (NM_001035513.3); c.218T>C, p.Val73Ala (NM_001278172.3); c.604T>C, p.Ser202Pro (NM_001407115.1); c.427T>C, p.Ser143Pro (NM_001407116.1); c.421T>C, p.Ser141Pro (NM_001407117.1); c.376T>C, p.Ser126Pro (NM_001407118.1); and 2 more; short protein forms S126P, S128P, S202P, S125P, S162P, S109P, S143P, V107A.
Identifiers: ClinVar variation 2951937 (VCV002951937.3), dbSNP rs2526573470, ClinGen allele CA343457910.